The following is an entry in ClinVar:

ClinVar aggregate classification (germline): Pathogenic (1 of 4 stars; one submission).

Conditions:
Neurodevelopmental disorder with or without autism or seizures (NEDAUS). Identifiers: MedGen C5543225, MONDO:0030994, OMIM 619239.

Submission:

Department of Clinical Genetics, Aarhus University Hospital
Classification: Pathogenic for Neurodevelopmental disorder with or without autism or seizures. Last evaluated: 2026-10-01. Review status: criteria provided, single submitter. Criteria: ACMG Guidelines, 2015. Collection method: clinical testing. Allele origin: de novo. Inheritance: Autosomal dominant inheritance. Affected: yes.
Comment: SpliceAI predicts an acceptor loss on position -2 (delta score 0,98) and predicts a donor loss on position -98 or an acceptor gain on position -13, however both with a deltascore <0,2. Both exon skipping or use of an alternative splicesite will be out of frame and likely result in NMD. Haploinsufficiency is a disease mechanism (ClinGen ISCA-10681). According to ACMG guidelines this variant is interpreted as pathogenic (PVS1, PM2_sup, PS2_sup).

NM_003590.5(CUL3):c.1611-2A>G

Gene: CUL3 (cullin 3; minus strand). Cytogenetic location: 2q36.2.
Variant type: single nucleotide variant.
Coding change: c.1611-2A>G on transcript NM_003590.5 (MANE Select); the canonical splice acceptor site of the intron before coding-DNA position 1611, A replaced by G.
Molecular consequence: splice acceptor variant.
Genome position (GRCh38, 1-based): chr2:224,497,851, T>C on the plus strand (A>G on the coding strand, the complement: CUL3 is on the minus strand). VCF-style: chr2-224497851-T-C. GRCh37 (hg19) VCF-style: chr2-225362568-T-C.
Other names: c.1413-2A>G (NM_001257197.2); c.1629-2A>G (NM_001257198.2).
Identifiers: ClinVar variation 5038439 (VCV005038439.1).